The following is an entry in ClinVar:

NM_000051.4(ATM):c.2476A>T (p.Ile826Phe)

Gene: ATM (ATM serine/threonine kinase; plus strand). Cytogenetic location: 11q22.3.
Variant type: single nucleotide variant.
Coding change: c.2476A>T on transcript NM_000051.4 (MANE Select); coding-DNA position 2476, A replaced by T.
Protein change: p.Ile826Phe; replaces isoleucine 826 with phenylalanine.
Molecular consequence: missense variant.
Genome position (GRCh38, 1-based): chr11:108,267,180, A>T. VCF-style: chr11-108267180-A-T. GRCh37 (hg19) VCF-style: chr11-108137907-A-T.
Other names: c.2476A>T, p.Ile826Phe (NM_001351834.2); short protein forms I826F.
Identifiers: ClinVar variation 3232422 (VCV003232422.1), dbSNP rs587782397, ClinGen allele CA382543163.
Genomic context (GRCh38, chr11:108,267,180, plus strand): 5'-CATGCTCCTGCAAGAAGCCATCTTGAACATCTTTGTTTCTCTTCCTTGAAGGCATCCTTC[A>T]TCAAAAAGCCATTTGACCGTGGAGAAGTAGAATCAATGGAAGATGATACTAATGGAAATC-3'
Protein context (NP_000042.3, residues 816-836): ADICKSLASF[Ile826Phe]KKPFDRGEVE

ClinVar aggregate classification (germline): Uncertain significance (1 of 4 stars; one submission).

Conditions:
Hereditary cancer-predisposing syndrome. Also called: Neoplastic Syndromes, Hereditary; Tumor predisposition; Hereditary neoplastic syndrome; Hereditary Cancer Syndrome. Identifiers: Orphanet 140162, MedGen C0027672, MeSH D009386, MONDO:0015356.

Submission:

Ambry Genetics
Classification: Uncertain significance for Hereditary cancer-predisposing syndrome. Last evaluated: 2023-11-23. Review status: criteria provided, single submitter. Criteria: Ambry Variant Classification Scheme 2023. Collection method: clinical testing. Allele origin: germline.
Comment: The p.I826F variant (also known as c.2476A>T), located in coding exon 16 of the ATM gene, results from an A to T substitution at nucleotide position 2476. The isoleucine at codon 826 is replaced by phenylalanine, an amino acid with highly similar properties. This amino acid position is conserved. In addition, this alteration is predicted to be tolerated by in silico analysis. Since supporting evidence is limited at this time, the clinical significance of this alteration remains unclear.